The following is an entry in ClinVar:

ClinVar aggregate classification (germline): Likely benign. Review status: criteria provided, multiple submitters, no conflicts (2 of 4 stars). 2 submissions from 2 submitters: Likely benign (2). Last evaluated 2025-12-26.

Conditions:
CDKN1C-related disorder. Also called: CDKN1C-related condition.
Beckwith-Wiedemann syndrome (BWS). Also called: Exomphalos macroglossia gigantism syndrome; EMG SYNDROME. Identifiers: Orphanet 116, MedGen C0004903, MONDO:0007534, OMIM 130650.

Allele frequency attached by ClinVar (database versions not stated): gnomAD 0.00003.
gnomAD v4.1: 12 of 803,674 alleles (0.0015%); highest among the groups gnomAD compares: East Asian, 0.0099%; 1 homozygote.

Submissions (2):

PreventionGenetics, part of Exact Sciences
Classification: Likely benign for CDKN1C-related condition. Last evaluated: 2025-12-26. Review status: criteria provided, single submitter. Criteria: ACMG Guidelines, 2015. Collection method: clinical testing. Allele origin: germline.
Comment: This variant is classified as likely benign based on ACMG/AMP sequence variant interpretation guidelines (Richards et al. 2015 PMID: 25741868, with internal and published modifications).

Labcorp Genetics (formerly Invitae), Labcorp
Classification: Likely benign for Beckwith-Wiedemann syndrome. Last evaluated: 2025-11-17. Review status: criteria provided, single submitter. Criteria: Invitae Variant Classification Sherloc (09022015). Collection method: clinical testing. Allele origin: germline.

NM_001122630.2(CDKN1C):c.546T>C (p.Ala182=)

Gene: CDKN1C (cyclin dependent kinase inhibitor 1C; minus strand). Cytogenetic location: 11p15.4.
Variant type: single nucleotide variant.
Coding change: c.546T>C on transcript NM_001122630.2 (MANE Select); coding-DNA position 546, T replaced by C.
Protein change: p.Ala182=; no amino-acid change (alanine 182 retained).
Molecular consequence: synonymous variant. On other transcripts: intron variant (1).
Genome position (GRCh38, 1-based): chr11:2,884,911, A>G on the plus strand (T>C on the coding strand, the complement: CDKN1C is on the minus strand). VCF-style: chr11-2884911-A-G. GRCh37 (hg19) VCF-style: chr11-2906141-A-G.
Other names: c.579T>C, p.Ala193= (LRG_533t1, NM_000076.2, NM_001362474.2); c.546T>C, p.Ala182= (NM_001122631.2); c.255+291T>C (NM_001362475.2).
Identifiers: ClinVar variation 524724 (VCV000524724.12), dbSNP rs1412788622, ClinGen allele CA472832496.